The following is an entry in ClinVar:

NM_006015.6(ARID1A):c.2989-1G>A

Gene: ARID1A (AT-rich interaction domain 1A; plus strand). Cytogenetic location: 1p36.11.
Variant type: single nucleotide variant.
Coding change: c.2989-1G>A on transcript NM_006015.6 (MANE Select); the canonical splice acceptor site of the intron before coding-DNA position 2989, G replaced by A.
Molecular consequence: splice acceptor variant.
Genome position (GRCh38, 1-based): chr1:26,767,789, G>A. VCF-style: chr1-26767789-G-A. GRCh37 (hg19) VCF-style: chr1-27094280-G-A.
Other names: c.2989-1G>A (NM_139135.4).
Identifiers: ClinVar variation 4846882 (VCV004846882.1).

ClinVar aggregate classification (germline): Uncertain significance (1 of 4 stars; one submission).

Conditions:
Intellectual disability, autosomal dominant 14 (CSS2). Also called: COFFIN-SIRIS SYNDROME 2. Identifiers: Orphanet 1465, MedGen C3553247, MONDO:0013819, OMIM 614607.

Submission:

Laboratorio de Genetica e Diagnostico Molecular, Hospital Israelita Albert Einstein
Classification: Uncertain significance for Intellectual disability, autosomal dominant 14. Last evaluated: 2026-01-22. Review status: criteria provided, single submitter. Criteria: ACMG Guidelines, 2015. Collection method: clinical testing. Allele origin: germline. Affected: yes.
Comment: ACMG classification criteria: PVS1 strong, PM2 supporting